The following is an entry in ClinVar:

NM_001482.3(GATM):c.5_33del (p.Leu2fs)

Genes: GATM (glycine amidinotransferase; minus strand), LOC130056991 (ATAC-STARR-seq lymphoblastoid silent region 6406; plus strand). Cytogenetic location: 15q21.1.
Variant type: Deletion.
Coding change: c.5_33del on transcript NM_001482.3 (MANE Select); coding-DNA positions 5 to 33, 29 bases deleted (TGCGGGTGCGGTGTCTGCGCGGCGGGAGC).
Protein change: p.Leu2fs; shifts the reading frame from leucine 2.
Molecular consequence: frameshift variant, initiator codon variant. On other transcripts: intron variant (1).
Genome position (GRCh38, 1-based): chr15:45,378,421-45,378,449, GCTCCCGCCGCGCAGACACCGCACCCGCA deleted on the plus strand (TGCGGGTGCGGTGTCTGCGCGGCGGGAGC on the coding strand, the reverse complement: GATM is on the minus strand); deleting any 29 consecutive bases within chr15:45,378,421-45,378,451 gives the same sequence; the c. name uses the placement nearest the transcript's 3' end. VCF-style (leftmost placement, unchanged base first): chr15-45378420-GGCTCCCGCCGCGCAGACACCGCACCCGCA-G. GRCh37 (hg19) VCF-style: chr15-45670618-GGCTCCCGCCGCGCAGACACCGCACCCGCA-G.
Other names: c.-318-1630_-318-1602del (NM_001321015.2); short protein forms L2fs.
Identifiers: ClinVar variation 3721886 (VCV003721886.2).

ClinVar aggregate classification (germline): Pathogenic (1 of 4 stars; one submission).

Conditions:
Arginine:glycine amidinotransferase deficiency (CCDS3). Also called: AGAT deficiency; L-Arginine:Glycine Amidinotransferase Deficiency; Creatine deficiency syndrome due to AGAT deficiency; GATM deficiency; L-Arginine:Glycine Amidinotransferase (AGAT) Deficiency; Cerebral creatine deficiency syndrome 3. Identifiers: Orphanet 35704, MedGen C2675179, MONDO:0012996, OMIM 612718.

Submission:

Labcorp Genetics (formerly Invitae), Labcorp
Classification: Pathogenic for Arginine:glycine amidinotransferase deficiency. Last evaluated: 2024-09-30. Review status: criteria provided, single submitter. Criteria: Invitae Variant Classification Sherloc (09022015). Collection method: clinical testing. Allele origin: germline.
Comment: This sequence change creates a premature translational stop signal (p.Leu2Profs*42) in the GATM gene. It is expected to result in an absent or disrupted protein product. Loss-of-function variants in GATM are known to be pathogenic (PMID: 11555793). This variant is not present in population databases (gnomAD no frequency). This variant has not been reported in the literature in individuals affected with GATM-related conditions. For these reasons, this variant has been classified as Pathogenic.

Literature cited by the submitters: PubMed 11555793.